The following is an entry in ClinVar:

Conditions:
Arteriohepatic dysplasia. Also called: Alagille Syndrome. Identifiers: Orphanet 52, MedGen C0085280, MeSH D016738, MONDO:0007318.

Submission:

Gilbert/Spinner Lab, Children's Hospital of Philadelphia
No classification provided (evidence only). Condition: Alagille syndrome. Review status: no classification provided. Collection method: research. Allele origin: not applicable. Functional consequence: functionally_abnormal.
ClinVar note: "not provided" was previously submitted as the classification for the variant. However, the classification appeared to be based only on an observation of functional data so it was converted to no classification on 2025-07-30.

NM_000214.3(JAG1):c.758G>A (p.Cys253Tyr)

Gene: JAG1 (jagged canonical Notch ligand 1; minus strand). Cytogenetic location: 20p12.2.
Variant type: single nucleotide variant.
Coding change: c.758G>A on transcript NM_000214.3 (MANE Select); coding-DNA position 758, G replaced by A.
Protein change: p.Cys253Tyr; replaces cysteine 253 with tyrosine.
Molecular consequence: missense variant.
Genome position (GRCh38, 1-based): chr20:10,652,596, C>T on the plus strand (G>A on the coding strand, the complement: JAG1 is on the minus strand). VCF-style: chr20-10652596-C-T. GRCh37 (hg19) VCF-style: chr20-10633244-C-T.
Other names: short protein forms C253Y.
Identifiers: ClinVar variation 3573364 (VCV003573364.2).